The following is an entry in ClinVar:

ClinVar aggregate classification (germline): Uncertain significance (1 of 4 stars; one submission).

Submission:

Labcorp Genetics (formerly Invitae), Labcorp
Classification: Uncertain significance. Last evaluated: 2025-10-12. Review status: criteria provided, single submitter. Criteria: Invitae Variant Classification Sherloc (09022015). Collection method: clinical testing. Allele origin: germline.
Comment: This sequence change falls in intron 8 of the OPA1 gene. It does not directly change the encoded amino acid sequence of the OPA1 protein. It affects a nucleotide within the consensus splice site. Information on the frequency of this variant in the gnomAD database is not available, as this variant may be reported differently in the database. This variant has not been reported in the literature in individuals affected with OPA1-related conditions. ClinVar contains an entry for this variant (Variation ID: 1406711). Variants that disrupt the consensus splice site are a relatively common cause of aberrant splicing (PMID: 17576681, 9536098). In summary, the available evidence is currently insufficient to determine the role of this variant in disease. Therefore, it has been classified as a Variant of Uncertain Significance.

Literature cited by the submitters: PubMed 17576681; PubMed 9536098.

NM_130837.3(OPA1):c.1035+3_1035+4delinsGC

Gene: OPA1 (OPA1 mitochondrial dynamin like GTPase; plus strand). Cytogenetic location: 3q29.
Variant type: Indel.
Coding change: c.1035+3_1035+4delinsGC on transcript NM_130837.3 (MANE Select); bases 3 to 4 of the intron after coding-DNA position 1035, AT replaced by GC.
Molecular consequence: intron variant.
Genome position (GRCh38, 1-based): chr3:193,637,284-193,637,285, AT replaced by GC. VCF-style: chr3-193637284-AT-GC. GRCh37 (hg19) VCF-style: chr3-193355073-AT-GC.
Other names: c.498+3_498+4delinsGC (NM_001354664.2); c.501+3_501+4delinsGC (NM_001354663.2); c.924+3_924+4delinsGC (NM_130834.3); c.981+3_981+4delinsGC (NM_130836.3); c.870+3_870+4delinsGC (NM_015560.3); c.927+3_927+4delinsGC (NM_130835.3); c.816+3_816+4delinsGC (NM_130832.3); c.873+3_873+4delinsGC (NM_130833.3); and 1 more.
Identifiers: ClinVar variation 1406711 (VCV001406711.6), dbSNP rs2109011823, ClinGen allele CA2573136853.